The following is an entry in ClinVar:

ClinVar aggregate classification (germline): Uncertain significance (0 of 4 stars; one submission).

Conditions:
WDFY3-related disorder.

Submission:

PreventionGenetics, part of Exact Sciences
Classification: Uncertain significance for WDFY3-related condition. Last evaluated: 2024-08-09. Review status: no assertion criteria provided. Collection method: clinical testing. Allele origin: germline.
Comment: The WDFY3 c.4520T>A variant is predicted to result in the amino acid substitution p.Val1507Asp. To our knowledge, this variant has not been reported in the literature or in a large population database, indicating this variant is rare. At this time, the clinical significance of this variant is uncertain due to the absence of conclusive functional and genetic evidence.

NM_014991.6(WDFY3):c.4520T>A (p.Val1507Asp)

Gene: WDFY3 (WD repeat and FYVE domain containing 3; minus strand). Cytogenetic location: 4q21.23.
Variant type: single nucleotide variant.
Coding change: c.4520T>A on transcript NM_014991.6 (MANE Select); coding-DNA position 4520, T replaced by A.
Protein change: p.Val1507Asp; replaces valine 1507 with aspartic acid.
Molecular consequence: missense variant.
Genome position (GRCh38, 1-based): chr4:84,775,137, A>T on the plus strand (T>A on the coding strand, the complement: WDFY3 is on the minus strand). VCF-style: chr4-84775137-A-T. GRCh37 (hg19) VCF-style: chr4-85696290-A-T.
Other names: short protein forms V1507D.
Identifiers: ClinVar variation 3345822 (VCV003345822.1).